The following is an entry in ClinVar:

NM_000478.6(ALPL):c.921del (p.Ser308fs)

Gene: ALPL (alkaline phosphatase, biomineralization associated; plus strand). Cytogenetic location: 1p36.12.
Variant type: Deletion.
Coding change: c.921del on transcript NM_000478.6 (MANE Select); coding-DNA position 921, one base deleted (G; older notation c.921delG).
Protein change: p.Ser308fs; shifts the reading frame from serine 308.
Molecular consequence: frameshift variant.
Genome position (GRCh38, 1-based): chr1:21,573,723, G deleted. VCF-style (leftmost placement, unchanged base first): chr1-21573722-CG-C. GRCh37 (hg19) VCF-style: chr1-21900215-CG-C.
Other names: c.756del, p.Ser253fs (NM_001127501.4); c.690del, p.Ser231fs (NM_001177520.3); c.921del, p.Ser308fs (NM_001369803.2, NM_001369804.2, NM_001369805.2); short protein forms S231fs, S253fs, S308fs.
Identifiers: ClinVar variation 4086848 (VCV004086848.1).

ClinVar aggregate classification (germline): Pathogenic (1 of 4 stars; one submission).

Conditions:
Hypophosphatasia. Also called: Phosphoethanol-aminuria. Identifiers: Orphanet 436, MedGen C0020630, MeSH D007014, MONDO:0018570.

Submission:

Genomenon, Inc
Classification: Pathogenic for Hypophosphatasia. Last evaluated: 2025-08-29. Review status: criteria provided, single submitter. Criteria: Genomenon Sequence Variant Interpretation Standards. Collection method: curation. Allele origin: germline. Affected: yes.
Comment: ALPL p.Ser308HisfsTer58 (c.921del) is a frameshift variant that results in the production of a truncated protein which is predicted to undergo nonsense-mediated mRNA decay. This variant has been observed in at least one proband affected with hypophosphatasia (PMID:34213743). It is absent or not present at a significant frequency in gnomAD. In conclusion, we classify ALPL p.Ser308HisfsTer58 (c.921del) as a pathogenic variant.

Literature cited by the submitters: PubMed 34213743.